The following is an entry in ClinVar:

ClinVar aggregate classification (germline): Uncertain significance. Review status: criteria provided, multiple submitters, no conflicts (2 of 4 stars). 4 submissions from 4 submitters: Uncertain significance (4). Last evaluated 2026-07-21.

Conditions:
PLEC-related disorder. Also called: PLEC-related condition; PLEC-related disorders.
Epidermolysis bullosa simplex, Ogna type (EBS5A). Also called: Pidermolysis bullosa simplex 5A, Ogna type; EPIDERMOLYSIS BULLOSA SIMPLEX 5A, OGNA TYPE. Identifiers: Orphanet 79401, MedGen C0432317, MONDO:0007555, OMIM 131950.
Epidermolysis bullosa simplex 5B, with muscular dystrophy (EBS5B). Also called: Epidermolysis bullosa simplex with muscular dystrophy; EPIDERMOLYSIS BULLOSA SIMPLEX AND LIMB-GIRDLE MUSCULAR DYSTROPHY. Identifiers: Orphanet 257, MedGen C2931072, MONDO:0009181, OMIM 226670.
Epidermolysis bullosa simplex 5C, with pyloric atresia (EBS5C). Also called: PLEC-Related Epidermolysis Bullosa with Pyloric Atresia; Epidermolysis bullosa simplex with pyloric atresia; PLEC1-Related Epidermolysis Bullosa with Pyloric Atresia. Identifiers: Orphanet 158684, MedGen C2677349, MONDO:0012807, OMIM 612138.
Autosomal recessive limb-girdle muscular dystrophy type 2Q (LGMDR17). Also called: MUSCULAR DYSTROPHY, LIMB-GIRDLE, AUTOSOMAL RECESSIVE 17. Identifiers: Orphanet 254361, MedGen C3150989, MONDO:0013390, OMIM 613723.
Epidermolysis bullosa simplex with nail dystrophy (EBS5D). Identifiers: MedGen C4225309, MONDO:0014661, OMIM 616487.
Inborn genetic diseases. Identifiers: MedGen C0950123, MeSH D030342.

Allele frequency attached by ClinVar (database versions not stated): gnomAD exomes 0.00003; gnomAD 0.00005; TOPMed 0.00008; ExAC 0.00020.
gnomAD v4.1: 52 of 1,539,714 alleles (0.0034%); highest among the groups gnomAD compares: South Asian, 0.033%; no homozygotes.

Submissions (4):

PreventionGenetics, part of Exact Sciences
Classification: Uncertain significance for PLEC-related condition. Last evaluated: 2026-07-21. Review status: criteria provided, single submitter. Criteria: ACMG Guidelines, 2015. Collection method: clinical testing. Allele origin: germline.
Comment: The PLEC c.4946G>A variant is predicted to result in the amino acid substitution p.Arg1649Gln. To our knowledge, this variant has not been reported in the literature. This variant is reported in 0.035% of alleles in individuals of South Asian descent in gnomAD. At this time, the clinical significance of this variant is uncertain due to the absence of conclusive functional and genetic evidence.

Labcorp Genetics (formerly Invitae), Labcorp
Classification: Uncertain significance for Autosomal recessive limb-girdle muscular dystrophy type 2Q; Epidermolysis bullosa simplex, Ogna type; Epidermolysis bullosa simplex with nail dystrophy; Epidermolysis bullosa simplex 5C, with pyloric atresia; Epidermolysis bullosa simplex 5B, with muscular dystrophy. Last evaluated: 2025-03-14. Review status: criteria provided, single submitter. Criteria: Invitae Variant Classification Sherloc (09022015). Collection method: clinical testing. Allele origin: germline.
Comment: This sequence change replaces arginine, which is basic and polar, with glutamine, which is neutral and polar, at codon 1649 of the PLEC protein (p.Arg1649Gln). This variant is present in population databases (rs782367469, gnomAD 0.03%). This variant has not been reported in the literature in individuals affected with PLEC-related conditions. ClinVar contains an entry for this variant (Variation ID: 2008701). Invitae Evidence Modeling of protein sequence and biophysical properties (such as structural, functional, and spatial information, amino acid conservation, physicochemical variation, residue mobility, and thermodynamic stability) indicates that this missense variant is not expected to disrupt PLEC protein function with a negative predictive value of 80%. In summary, the available evidence is currently insufficient to determine the role of this variant in disease. Therefore, it has been classified as a Variant of Uncertain Significance.

Revvity Omics, Revvity
Classification: Uncertain significance. Last evaluated: 2024-06-17. Review status: criteria provided, single submitter. Criteria: ACMG Guidelines, 2015. Collection method: clinical testing. Allele origin: germline.

Ambry Genetics
Classification: Uncertain significance for Inborn genetic diseases. Last evaluated: 2024-05-08. Review status: criteria provided, single submitter. Criteria: Ambry Variant Classification Scheme 2023. Collection method: clinical testing. Allele origin: germline.

NM_201384.3(PLEC):c.4865G>A (p.Arg1622Gln)

Gene: PLEC (plectin; minus strand). Cytogenetic location: 8q24.3.
Variant type: single nucleotide variant.
Coding change: c.4865G>A on transcript NM_201384.3 (MANE Select); coding-DNA position 4865, G replaced by A.
Protein change: p.Arg1622Gln; replaces arginine 1622 with glutamine.
Molecular consequence: missense variant.
Genome position (GRCh38, 1-based): chr8:143,925,064, C>T on the plus strand (G>A on the coding strand, the complement: PLEC is on the minus strand). VCF-style: chr8-143925064-C-T. GRCh37 (hg19) VCF-style: chr8-144999232-C-T.
Other names: c.4946G>A (NM_000445.4, NM_000445.3); c.4946G>A, p.Arg1649Gln (NM_000445.5); c.4823G>A, p.Arg1608Gln (NM_201378.4); c.4799G>A, p.Arg1600Gln (NM_201379.3); c.5276G>A, p.Arg1759Gln (NM_201380.4); c.4769G>A, p.Arg1590Gln (NM_201381.3); c.4865G>A, p.Arg1622Gln (NM_201382.4); c.4877G>A, p.Arg1626Gln (NM_201383.3); short protein forms R1600Q, R1608Q, R1626Q, R1759Q, R1649Q, R1622Q, R1590Q.
Identifiers: ClinVar variation 2008701 (VCV002008701.9), dbSNP rs782367469, ClinGen allele CA4926517.
Genomic context (GRCh38, chr8:143,925,064, plus strand): 5'-AGCGCCTCGTTGGCCTTGAGCTGCCAGCGCTCCAGCTCCCGCTCTGCCTCCTCGCGCGCC[C>T]GCTCGGCCTCGGCCTGCTGCTGTGCCCGCCGCTCAGCCTCCTCCCGCAGCTGTGCCACAG-3'
Protein context (NP_958786.1, residues 1612-1632): RRAQQQAEAE[Arg1622Gln]AREEAERELE